The following is an entry in ClinVar:

ClinVar aggregate classification (germline): Uncertain significance (1 of 4 stars; one submission).

gnomAD v4.1: 10 of 1,612,932 alleles (0.00062%); highest among the groups gnomAD compares: African/African-American, 0.0053%; no homozygotes.

Submission:

Dasa
Classification: Uncertain significance. Last evaluated: 2026-06-15. Review status: criteria provided, single submitter. Criteria: DASA Assertion Criteria. Collection method: clinical testing. Allele origin: germline.
Comment: NM_016034.5(MRPS2):c.557C>T (p.Thr186Met) is a missense variant that results in the substitution of threonine with methionine. This variant is rare in population databases. Computational prediction algorithms are consistent with a benign effect. The currently available literature and clinical evidence are not sufficient to establish a definitive association between this variant and the reported condition. Therefore, this variant is classified as a variant of uncertain significance.

NM_016034.5(MRPS2):c.557C>T (p.Thr186Met)

Genes: MRPS2 (mitochondrial ribosomal protein S2; plus strand), LOC101928525 (uncharacterized LOC101928525; minus strand). Cytogenetic location: 9q34.3.
Variant type: single nucleotide variant.
Coding change: c.557C>T on transcript NM_016034.5 (MANE Select); coding-DNA position 557, C replaced by T.
Protein change: p.Thr186Met; replaces threonine 186 with methionine.
Molecular consequence: missense variant. On other transcripts: non-coding transcript variant (4).
Genome position (GRCh38, 1-based): chr9:135,503,799, C>T. VCF-style: chr9-135503799-C-T. GRCh37 (hg19) VCF-style: chr9-138395645-C-T.
Other names: c.557C>T, p.Thr186Met (NM_001371401.1); short protein forms T186M.
Identifiers: ClinVar variation 5020372 (VCV005020372.1).